The following is an entry in ClinVar:

NM_000292.3(PHKA2):c.808G>A (p.Val270Met)

Gene: PHKA2 (phosphorylase kinase regulatory subunit alpha 2; minus strand). Cytogenetic location: Xp22.13.
Variant type: single nucleotide variant.
Coding change: c.808G>A on transcript NM_000292.3 (MANE Select); coding-DNA position 808, G replaced by A.
Protein change: p.Val270Met; replaces valine 270 with methionine.
Molecular consequence: missense variant.
Genome position (GRCh38, 1-based): chrX:18,941,585, C>T on the plus strand (G>A on the coding strand, the complement: PHKA2 is on the minus strand). VCF-style: chrX-18941585-C-T. GRCh37 (hg19) VCF-style: chrX-18959703-C-T.
Other names: short protein forms V270M.
Identifiers: ClinVar variation 2635596 (VCV002635596.1), dbSNP rs753601308, ClinGen allele CA10362049.

ClinVar aggregate classification (germline): Uncertain significance (1 of 4 stars; one submission).

Conditions:
PHKA2-related disorder. Also called: PHKA2-related condition.

Allele frequency attached by ClinVar (database versions not stated): TOPMed below 0.00001; ExAC 0.00001; gnomAD 0.00001; gnomAD exomes 0.00002.
gnomAD v4.1: 21 of 1,195,455 alleles (0.0018%); highest among the groups gnomAD compares: Admixed American, 0.0022%; no homozygotes.

Submission:

PreventionGenetics, part of Exact Sciences
Classification: Uncertain significance for PHKA2-related condition. Last evaluated: 2022-11-10. Review status: criteria provided, single submitter. Criteria: ACMG Guidelines, 2015. Collection method: clinical testing. Allele origin: germline.
Comment: The PHKA2 c.808G>A variant is predicted to result in the amino acid substitution p.Val270Met. To our knowledge, this variant has not been reported in the literature. This variant is reported in 0.0036% of alleles in individuals of Latino descent in gnomAD. At this time, the clinical significance of this variant is uncertain due to the absence of conclusive functional and genetic evidence.